The following is an entry in ClinVar:

ClinVar aggregate classification (germline): Conflicting classifications of pathogenicity. Review status: criteria provided, conflicting classifications (1 of 4 stars). 4 submissions from 4 submitters: Uncertain significance (1); Likely benign (3). Last evaluated 2026-01-05.

Conditions:
VIPAS39-related disorder. Also called: VIPAS39-related condition.

Allele frequency attached by ClinVar (database versions not stated): TOPMed 0.00002; gnomAD 0.00003; ESP Exome Variant Server 0.00008; 1000 Genomes Project 30x 0.00016.
gnomAD v4.1: 96 of 1,613,818 alleles (0.0059%); highest among the groups gnomAD compares: Middle Eastern, 0.083%; no homozygotes.

Submissions (4):

Labcorp Genetics (formerly Invitae), Labcorp
Classification: Likely benign. Last evaluated: 2026-01-05. Review status: criteria provided, single submitter. Criteria: Invitae Variant Classification Sherloc (09022015). Collection method: clinical testing. Allele origin: germline.

PreventionGenetics, part of Exact Sciences
Classification: Likely benign for VIPAS39-related condition. Last evaluated: 2025-08-26. Review status: criteria provided, single submitter. Criteria: ACMG Guidelines, 2015. Collection method: clinical testing. Allele origin: germline.
Comment: This variant is classified as likely benign based on ACMG/AMP sequence variant interpretation guidelines (Richards et al. 2015 PMID: 25741868, with internal and published modifications).

Blueprint Genetics
Classification: Likely benign. Last evaluated: 2023-07-04. Review status: criteria provided, single submitter. Criteria: ACMG Guidelines, 2015. Collection method: clinical testing. Allele origin: germline.

Eurofins Ntd Llc (ga)
Classification: Uncertain significance. Last evaluated: 2018-01-09. Review status: criteria provided, single submitter. Criteria: EGL Classification Definitions 2015. Collection method: clinical testing. Allele origin: germline. Observed: 3 variant alleles, 3 heterozygotes.

NM_001193315.2(VIPAS39):c.1089+8C>G

Gene: VIPAS39 (VPS33B interacting protein, apical-basolateral polarity regulator, spe-39 homolog; minus strand). Cytogenetic location: 14q24.3.
Variant type: single nucleotide variant.
Coding change: c.1089+8C>G on transcript NM_001193315.2 (MANE Select); 8 bases into the intron after coding-DNA position 1089, C replaced by G.
Molecular consequence: intron variant.
Genome position (GRCh38, 1-based): chr14:77,434,254, G>C on the plus strand (C>G on the coding strand, the complement: VIPAS39 is on the minus strand). VCF-style: chr14-77434254-G-C. GRCh37 (hg19) VCF-style: chr14-77900597-G-C.
Other names: c.942+8C>G (NM_001193316.2); c.1089+8C>G (NM_022067.4, NM_001193317.2, NM_001193314.2).
Identifiers: ClinVar variation 501706 (VCV000501706.16), dbSNP rs371371767, ClinGen allele CA7287838.
Genomic context (GRCh38, chr14:77,434,254, plus strand): 5'-AAAGCAACATCCACTCCATGTAGTTACCCTGATCACTAGTTTCATAACACTGACCAATTT[G>C]TATCTACCTTAAATGTCTTCTTCAGGTTGACGGGACTGCTGAATGTCCCCTAGGATGAAA-3'